The following is an entry in ClinVar:

NM_177550.5(SLC13A5):c.356C>A (p.Ala119Asp)

Gene: SLC13A5 (solute carrier family 13 member 5; minus strand). Cytogenetic location: 17p13.1.
Variant type: single nucleotide variant.
Coding change: c.356C>A on transcript NM_177550.5 (MANE Select); coding-DNA position 356, C replaced by A.
Protein change: p.Ala119Asp; replaces alanine 119 with aspartic acid.
Molecular consequence: missense variant.
Genome position (GRCh38, 1-based): chr17:6,706,654, G>T on the plus strand (C>A on the coding strand, the complement: SLC13A5 is on the minus strand). VCF-style: chr17-6706654-G-T. GRCh37 (hg19) VCF-style: chr17-6609973-G-T.
Other names: c.356C>A, p.Ala119Asp (NM_001143838.3, NM_001284509.2); c.227C>A, p.Ala76Asp (NM_001284510.2); short protein forms A119D, A76D.
Identifiers: ClinVar variation 2150595 (VCV002150595.4), dbSNP rs2544646557, ClinGen allele CA397750621.

ClinVar aggregate classification (germline): Uncertain significance (1 of 4 stars; one submission).

Conditions:
Developmental and epileptic encephalopathy, 25 (DEE25). Also called: Developmental and epileptic encephalopathy 25, with amelogenesis imperfecta; Epileptic encephalopathy, early infantile, 25, with amelogenesis imperfecta; Epileptic encephalopathy, early infantile, 25. Identifiers: Orphanet 442835, MedGen C4014621, MONDO:0014392, OMIM 615905.

Allele frequency attached by ClinVar (database versions not stated): gnomAD exomes below 0.00001.
gnomAD v4.1: 1 of 1,613,652 alleles (0.000062%); highest among the groups gnomAD compares: Non-Finnish European, 0.000085%; no homozygotes.

Submission:

Labcorp Genetics (formerly Invitae), Labcorp
Classification: Uncertain significance for Developmental and epileptic encephalopathy, 25. Last evaluated: 2022-08-20. Review status: criteria provided, single submitter. Criteria: Invitae Variant Classification Sherloc (09022015). Collection method: clinical testing. Allele origin: germline.
Comment: In summary, the available evidence is currently insufficient to determine the role of this variant in disease. Therefore, it has been classified as a Variant of Uncertain Significance. Algorithms developed to predict the effect of missense changes on protein structure and function are either unavailable or do not agree on the potential impact of this missense change (SIFT: "Tolerated"; PolyPhen-2: "Possibly Damaging"; Align-GVGD: "Class C0"). This variant has not been reported in the literature in individuals affected with SLC13A5-related conditions. This variant is not present in population databases (gnomAD no frequency). This sequence change replaces alanine, which is neutral and non-polar, with aspartic acid, which is acidic and polar, at codon 119 of the SLC13A5 protein (p.Ala119Asp).